The following is an entry in ClinVar:

NM_005732.4(RAD50):c.2987A>G (p.Lys996Arg)

Gene: RAD50 (RAD50 double strand break repair protein; plus strand). Cytogenetic location: 5q31.1.
Variant type: single nucleotide variant.
Coding change: c.2987A>G on transcript NM_005732.4 (MANE Select); coding-DNA position 2987, A replaced by G.
Protein change: p.Lys996Arg; replaces lysine 996 with arginine.
Molecular consequence: missense variant.
Genome position (GRCh38, 1-based): chr5:132,609,347, A>G. VCF-style: chr5-132609347-A-G. GRCh37 (hg19) VCF-style: chr5-131945039-A-G.
Other names: short protein forms K996R.
Identifiers: ClinVar variation 1443222 (VCV001443222.6), dbSNP rs2149849881, ClinGen allele CA360960738.

ClinVar aggregate classification (germline): Uncertain significance (1 of 4 stars; one submission).

Conditions:
Hereditary cancer-predisposing syndrome. Also called: Tumor predisposition; Hereditary Cancer Syndrome; Hereditary neoplastic syndrome; Neoplastic Syndromes, Hereditary. Identifiers: Orphanet 140162, MedGen C0027672, MeSH D009386, MONDO:0015356.

Submission:

Labcorp Genetics (formerly Invitae), Labcorp
Classification: Uncertain significance for Hereditary cancer-predisposing syndrome. Last evaluated: 2021-11-07. Review status: criteria provided, single submitter. Criteria: Invitae Variant Classification Sherloc (09022015). Collection method: clinical testing. Allele origin: germline.
Comment: In summary, the available evidence is currently insufficient to determine the role of this variant in disease. Therefore, it has been classified as a Variant of Uncertain Significance. Algorithms developed to predict the effect of missense changes on protein structure and function (SIFT, PolyPhen-2, Align-GVGD) all suggest that this variant is likely to be tolerated. This variant has not been reported in the literature in individuals affected with RAD50-related conditions. This variant is not present in population databases (gnomAD no frequency). This sequence change replaces lysine, which is basic and polar, with arginine, which is basic and polar, at codon 996 of the RAD50 protein (p.Lys996Arg).